The following is an entry in ClinVar:

ClinVar aggregate classification (germline): Uncertain significance (1 of 4 stars; one submission).

Conditions:
Isovaleryl-CoA dehydrogenase deficiency (IVA). Also called: ISOVALERIC ACID CoA DEHYDROGENASE DEFICIENCY; Isovaleric acidemia; Classic Isovaleric Acidemia; IVD DEFICIENCY. Identifiers: Orphanet 33, MedGen C0268575, MONDO:0009475, OMIM 243500.

Submission:

Labcorp Genetics (formerly Invitae), Labcorp
Classification: Uncertain significance for Isovaleryl-CoA dehydrogenase deficiency. Last evaluated: 2021-10-27. Review status: criteria provided, single submitter. Criteria: Invitae Variant Classification Sherloc (09022015). Collection method: clinical testing. Allele origin: germline.
Comment: This sequence change replaces aspartic acid, which is acidic and polar, with glycine, which is neutral and non-polar, at codon 39 of the IVD protein (p.Asp39Gly). This variant is not present in population databases (gnomAD no frequency). This variant has not been reported in the literature in individuals affected with IVD-related conditions. Algorithms developed to predict the effect of missense changes on protein structure and function (SIFT, PolyPhen-2, Align-GVGD) all suggest that this variant is likely to be disruptive. In summary, the available evidence is currently insufficient to determine the role of this variant in disease. Therefore, it has been classified as a Variant of Uncertain Significance.

NM_002225.5(IVD):c.107A>G (p.Asp36Gly)

Gene: IVD (isovaleryl-CoA dehydrogenase; plus strand). Cytogenetic location: 15q15.1.
Variant type: single nucleotide variant.
Coding change: c.107A>G on transcript NM_002225.5 (MANE Select); coding-DNA position 107, A replaced by G.
Protein change: p.Asp36Gly; replaces aspartic acid 36 with glycine.
Molecular consequence: missense variant. On other transcripts: 5 prime UTR variant (1), non-coding transcript variant (1).
Genome position (GRCh38, 1-based): chr15:40,405,934, A>G. VCF-style: chr15-40405934-A-G. GRCh37 (hg19) VCF-style: chr15-40698135-A-G.
Other names: c.107A>G, p.Asp36Gly (NM_001159508.3, NM_001354598.3, NM_001354599.3 and 2 more transcripts); c.-321A>G (NM_001354597.3); short protein forms D36G.
Identifiers: ClinVar variation 1389798 (VCV001389798.6), dbSNP rs2141289941, ClinGen allele CA391743743.
Genomic context (GRCh38, chr15:40,405,934, plus strand): 5'-GGCTGCGGCCGCCGCTTGCCGGCTTCGTTTCCCAGCGGGCCCACTCGCTTTTGCCCGTGG[A>G]CGATGCAATCAATGGGCTAAGCGAGGAGCAGAGGCAGGTGAGGAGACTGACCCCCTTCCT-3'
Protein context (NP_002216.3, residues 26-46): SQRAHSLLPV[Asp36Gly]DAINGLSEEQ